The following is an entry in ClinVar:

NM_000338.3(SLC12A1):c.1567T>C (p.Cys523Arg)

Gene: SLC12A1 (solute carrier family 12 member 1; plus strand). Cytogenetic location: 15q21.1.
Variant type: single nucleotide variant.
Coding change: c.1567T>C on transcript NM_000338.3 (MANE Select); coding-DNA position 1567, T replaced by C.
Protein change: p.Cys523Arg; replaces cysteine 523 with arginine.
Molecular consequence: missense variant.
Genome position (GRCh38, 1-based): chr15:48,247,343, T>C. VCF-style: chr15-48247343-T-C. GRCh37 (hg19) VCF-style: chr15-48539540-T-C.
Other names: c.1567T>C, p.Cys523Arg (NM_001184832.2, NM_001384136.1); short protein forms C523R.
Identifiers: ClinVar variation 2003345 (VCV002003345.4), dbSNP rs2505087380, ClinGen allele CA392312169.
Genomic context (GRCh38, chr15:48,247,343, plus strand): 5'-AAAATGACTGTGCATAGCTATAAATGACAAATTTCTTCTCTTCTTTTCCATTAGGCTCTG[T>C]GCAAGGACAACATCTACAAAGCCCTGCAGTTTTTTGCAAAGGGATATGGGAAAAACAATG-3'
Protein context (NP_000329.2, residues 513-533): VSAPKVFQAL[Cys523Arg]KDNIYKALQF

ClinVar aggregate classification (germline): Uncertain significance (1 of 4 stars; one submission).

Submission:

Labcorp Genetics (formerly Invitae), Labcorp
Classification: Uncertain significance. Last evaluated: 2022-06-08. Review status: criteria provided, single submitter. Criteria: Invitae Variant Classification Sherloc (09022015). Collection method: clinical testing. Allele origin: germline.
Comment: In summary, the available evidence is currently insufficient to determine the role of this variant in disease. Therefore, it has been classified as a Variant of Uncertain Significance. Algorithms developed to predict the effect of missense changes on protein structure and function are either unavailable or do not agree on the potential impact of this missense change (SIFT: "Deleterious"; PolyPhen-2: "Probably Damaging"; Align-GVGD: "Class C0"). This missense change has been observed in individual(s) with Bartter syndrome (Invitae). This variant is not present in population databases (gnomAD no frequency). This sequence change replaces cysteine, which is neutral and slightly polar, with arginine, which is basic and polar, at codon 523 of the SLC12A1 protein (p.Cys523Arg).